The following is an entry in ClinVar:

ClinVar aggregate classification (germline): Uncertain significance (1 of 4 stars; one submission).

Submission:

Ambry Genetics
Classification: Uncertain significance. Last evaluated: 2026-02-17. Review status: criteria provided, single submitter. Criteria: Ambry Variant Classification Scheme 2023. Collection method: clinical testing. Allele origin: germline.
Comment: The c.631G>A (p.G211S) alteration is located in exon 7 (coding exon 6) of the WWC3 gene. This alteration results from a G to A substitution at nucleotide position 631, causing the glycine (G) at amino acid position 211 to be replaced by a serine (S). Based on data from gnomAD, the A allele has an overall frequency of 0.003% (5/182651) total alleles studied. The highest observed frequency was 0.008% (1/13150) of African alleles. Based on insufficient or conflicting evidence, the clinical significance of this alteration remains unclear.

NM_015691.5(WWC3):c.1006G>A (p.Gly336Ser)

Gene: WWC3 (WWC family member 3; plus strand). Cytogenetic location: Xp22.2.
Variant type: single nucleotide variant.
Coding change: c.1006G>A on transcript NM_015691.5; coding-DNA position 1006, G replaced by A.
Protein change: p.Gly336Ser; replaces glycine 336 with serine.
Molecular consequence: missense variant.
Genome position (GRCh38, 1-based): chrX:10,094,255, G>A. VCF-style: chrX-10094255-G-A. GRCh37 (hg19) VCF-style: chrX-10062295-G-A.
Other names: short protein forms G211S, G336S.
Identifiers: ClinVar variation 4828006 (VCV004828006.1).